The following is an entry in ClinVar:

ClinVar aggregate classification (germline): Uncertain significance (1 of 4 stars; one submission).

Conditions:
Charcot-Marie-Tooth disease axonal type 2L. Also called: Charcot-Marie-Tooth Neuropathy Type 2L; CHARCOT-MARIE-TOOTH DISEASE, AXONAL, AUTOSOMAL DOMINANT, TYPE 2L; CHARCOT-MARIE-TOOTH NEUROPATHY, AXONAL, TYPE 2L. Identifiers: Orphanet 99945, MedGen C1837552, MONDO:0012096, OMIM 608673.

Submission:

Labcorp Genetics (formerly Invitae), Labcorp
Classification: Uncertain significance for Charcot-Marie-Tooth disease axonal type 2L. Last evaluated: 2026-01-06. Review status: criteria provided, single submitter. Criteria: Invitae Variant Classification Sherloc (09022015). Collection method: clinical testing. Allele origin: germline.
Comment: This sequence change creates a premature translational stop signal (p.Gly62Hisfs*64) in the HSPB8 gene. It is expected to result in an absent or disrupted protein product. However, the current clinical and genetic evidence is not sufficient to establish whether loss-of-function variants in HSPB8 cause disease. This variant is not present in population databases (gnomAD no frequency). This variant has not been reported in the literature in individuals affected with HSPB8-related conditions. ClinVar contains an entry for this variant (Variation ID: 971620). In summary, the available evidence is currently insufficient to determine the role of this variant in disease. Therefore, it has been classified as a Variant of Uncertain Significance.

NM_014365.3(HSPB8):c.184_185del (p.Gly62fs)

Gene: HSPB8 (heat shock protein family B (small) member 8; plus strand). Cytogenetic location: 12q24.23.
Variant type: Deletion.
Coding change: c.184_185del on transcript NM_014365.3 (MANE Select); coding-DNA positions 184 to 185, 2 bases deleted (GG; older notation c.184_185delGG).
Protein change: p.Gly62fs; shifts the reading frame from glycine 62.
Molecular consequence: frameshift variant.
Genome position (GRCh38, 1-based): chr12:119,179,496-119,179,497, GG deleted. VCF-style (leftmost placement, unchanged base first): chr12-119179495-AGG-A. GRCh37 (hg19) VCF-style: chr12-119617300-AGG-A.
Other names: short protein forms G62fs.
Identifiers: ClinVar variation 971620 (VCV000971620.7), dbSNP rs1954622635, ClinGen allele CA1139662926.